The following is an entry in ClinVar:

NM_000530.8(MPZ):c.*52G>A

Gene: MPZ (myelin protein zero; minus strand). Cytogenetic location: 1q23.3.
Variant type: single nucleotide variant.
Coding change: c.*52G>A on transcript NM_000530.8 (MANE Select); 52 bases downstream of the stop codon, G replaced by A.
Molecular consequence: 3 prime UTR variant. On other transcripts: missense variant (1).
Genome position (GRCh38, 1-based): chr1:161,305,824, C>T on the plus strand (G>A on the coding strand, the complement: MPZ is on the minus strand). VCF-style: chr1-161305824-C-T. GRCh37 (hg19) VCF-style: chr1-161275614-C-T.
Other names: c.799G>A (NM_001315491.1); c.*52G>A (LRG_256t1); c.799G>A, p.Gly267Ser (NM_001315491.2); short protein forms G267S.
Identifiers: ClinVar variation 293311 (VCV000293311.9), dbSNP rs774701563, ClinGen allele CA1210041.

ClinVar aggregate classification (germline): Conflicting classifications of pathogenicity. Review status: criteria provided, conflicting classifications (1 of 4 stars). 7 submissions from 4 submitters: Uncertain significance (1); Benign (2); Likely benign (3). 1 of the submissions does not count toward it. Last evaluated 2025-12-31.

Conditions:
MPZ-related disorder. Also called: MPZ-related condition; MPZ-related disorders.
Charcot-Marie-Tooth disease dominant intermediate D. Also called: CHARCOT-MARIE-TOOTH NEUROPATHY, DOMINANT INTERMEDIATE D; Charcot-Marie-Tooth disease dominant intermediate 3; CMT DI3. Identifiers: Orphanet 100046, MedGen C1843075, MONDO:0011909, OMIM 607791.
Charcot-Marie-Tooth disease type 1B. Also called: CHARCOT-MARIE-TOOTH DISEASE, AUTOSOMAL DOMINANT, WITH FOCALLY FOLDED MYELIN SHEATHS, TYPE 1B; CHARCOT-MARIE-TOOTH DISEASE, SLOW NERVE CONDUCTION TYPE, LINKED TO DUFFY; CHARCOT-MARIE-TOOTH NEUROPATHY, TYPE 1B; PERONEAL MUSCULAR ATROPHY; HEREDITARY MOTOR AND SENSORY NEUROPATHY I; HEREDITARY MOTOR AND SENSORY NEUROPATHY IB. Identifiers: Orphanet 101082, MedGen C0270912, MONDO:0007307, OMIM 118200.
Neuropathy, congenital hypomyelinating, 2. Identifiers: MedGen C4722277, MONDO:0020765, OMIM 618184.
Roussy-Lévy syndrome. Also called: Roussy-Levy Syndrome; Roussy Levy hereditary areflexic dystasia; Roussy-Levy disease; Hereditary areflexic dystasia. Identifiers: Orphanet 3115, MedGen C0205713, MONDO:0008392, OMIM 180800.

Allele frequency attached by ClinVar (database versions not stated): gnomAD 0.00013 and 0.00014; gnomAD exomes 0.00015 and 0.00016; TOPMed 0.00017; ExAC 0.00020.
gnomAD v4.1: 210 of 1,379,146 alleles (0.015%); highest among the groups gnomAD compares: Non-Finnish European, 0.019%; no homozygotes.

Submissions (7):

PreventionGenetics, part of Exact Sciences
Classification: Likely benign for MPZ-related condition. Last evaluated: 2025-12-31. Review status: criteria provided, single submitter. Criteria: ACMG Guidelines, 2015. Collection method: clinical testing. Allele origin: germline.
Comment: This variant is classified as likely benign based on ACMG/AMP sequence variant interpretation guidelines (Richards et al. 2015 PMID: 25741868, with internal and published modifications).

Blueprint Genetics
Classification: Likely benign. Last evaluated: 2024-06-29. Review status: criteria provided, single submitter. Criteria: ACMG Guidelines, 2015. Collection method: clinical testing. Allele origin: germline.

Illumina Laboratory Services, Illumina
Classification: Likely benign for Charcot-Marie-Tooth disease type 1B. Last evaluated: 2018-01-13. Review status: criteria provided, single submitter. Criteria: ICSL Variant Classification Criteria 13 December 2019. Collection method: clinical testing. Allele origin: germline.
Comment: This variant was observed in the ICSL laboratory as part of a predisposition screen in an ostensibly healthy population. It had not been previously curated by ICSL or reported in the Human Gene Mutation Database (HGMD: prior to June 1st, 2018), and was therefore a candidate for classification through an automated scoring system. Utilizing variant allele frequency, disease prevalence and penetrance estimates, and inheritance mode, an automated score was calculated to assess if this variant is too frequent to cause the disease. Based on the score and internal cut-off values, a variant classified as likely benign is not then subjected to further curation. The score for this variant resulted in a classification of likely benign for this disease.

Illumina Laboratory Services, Illumina
Classification: Benign for Charcot-Marie-Tooth disease dominant intermediate D. Last evaluated: 2018-01-13. Review status: criteria provided, single submitter. Criteria: ICSL Variant Classification Criteria 13 December 2019. Collection method: clinical testing. Allele origin: germline.
Comment: This variant was observed in the ICSL laboratory as part of a predisposition screen in an ostensibly healthy population. It had not been previously curated by ICSL or reported in the Human Gene Mutation Database (HGMD: prior to June 1st, 2018), and was therefore a candidate for classification through an automated scoring system. Utilizing variant allele frequency, disease prevalence and penetrance estimates, and inheritance mode, an automated score was calculated to assess if this variant is too frequent to cause the disease. Based on the score and internal cut-off values, a variant classified as benign is not then subjected to further curation. The score for this variant resulted in a classification of benign for this disease.

Illumina Laboratory Services, Illumina
Classification: Uncertain significance for Neuropathy, congenital hypomyelinating, 2. Last evaluated: 2018-01-13. Review status: criteria provided, single submitter. Criteria: ICSL Variant Classification Criteria 13 December 2019. Collection method: clinical testing. Allele origin: germline.

Illumina Laboratory Services, Illumina
Classification: Benign for Roussy-Lévy syndrome. Last evaluated: 2018-01-13. Review status: criteria provided, single submitter. Criteria: ICSL Variant Classification Criteria 13 December 2019. Collection method: clinical testing. Allele origin: germline.
Comment: the same text as in the submission from Illumina Laboratory Services, Illumina above.

Department of Pathology and Laboratory Medicine, Sinai Health System
Classification: Uncertain significance. Review status: no assertion criteria provided. Collection method: clinical testing. Allele origin: unknown. Affected: yes. Study: The Canadian Open Genetics Repository (COGR). Not counted in ClinVar's aggregate classification.
Comment: The MPZ p.Gly267Ser variant was not identified in the literature nor was it identified in LOVD 3.0. The variant was identified in dbSNP (ID: rs774701563) and ClinVar (classified as uncertain significance by Illumina). The variant was identified in control databases in 38 of 250220 chromosomes (1 homozygous) at a frequency of 0.0001519 (Genome Aggregation Database March 6, 2019, v2.1.1). The variant was observed in the following populations: European (non-Finnish) in 32 of 113234 chromosomes (freq: 0.000283), Latino in 3 of 32612 chromosomes (freq: 0.000092), African in 2 of 23440 chromosomes (freq: 0.000085) and European (Finnish) in 1 of 22820 chromosomes (freq: 0.000044), but was not observed in the Ashkenazi Jewish, East Asian, Other, or South Asian populations. The p.Gly267 residue has limited species conservation data computational analyses (AlignGVGD, BLOSUM, MutationTaster) provide inconsistent predictions regarding the impact to the protein; this information is not predictive enough to rule out pathogenicity. The variant occurs outside of the splicing consensus sequence and in silico or computational prediction software programs (SpliceSiteFinder, MaxEntScan, NNSPLICE, GeneSplicer) do not predict a difference in splicing. In summary, based on the above information the clinical significance of this variant cannot be determined with certainty at this time. This variant is classified as a variant of uncertain significance.